The following is an entry in ClinVar:

NM_000483.5(APOC2):c.227G>T (p.Ser76Ile)

Genes: APOC2 (apolipoprotein C2; plus strand), APOC4-APOC2 (APOC4-APOC2 readthrough (NMD candidate); plus strand). Cytogenetic location: 19q13.32.
Variant type: single nucleotide variant.
Coding change: c.227G>T on transcript NM_000483.5 (MANE Select); coding-DNA position 227, G replaced by T.
Protein change: p.Ser76Ile; replaces serine 76 with isoleucine.
Molecular consequence: missense variant. On other transcripts: non-coding transcript variant (1).
Genome position (GRCh38, 1-based): chr19:44,949,170, G>T. VCF-style: chr19-44949170-G-T. GRCh37 (hg19) VCF-style: chr19-45452427-G-T.
Other names: short protein forms S76I.
Identifiers: ClinVar variation 3886321 (VCV003886321.2).

ClinVar aggregate classification (germline): Uncertain significance. Review status: criteria provided, multiple submitters, no conflicts (2 of 4 stars). 2 submissions from 2 submitters: Uncertain significance (2). Last evaluated 2025-01-04.

Conditions:
Cardiovascular phenotype. Identifiers: MedGen CN230736.

gnomAD v4.1: 2 of 1,613,658 alleles (0.00012%); highest among the groups gnomAD compares: Non-Finnish European, 0.000085%; no homozygotes.

Submissions (2):

Ambry Genetics
Classification: Uncertain significance for Cardiovascular phenotype. Last evaluated: 2025-01-04. Review status: criteria provided, single submitter. Criteria: Ambry Variant Classification Scheme 2023. Collection method: clinical testing. Allele origin: germline.
Comment: The p.S76I variant (also known as c.227G>T), located in coding exon 3 of the APOC2 gene, results from a G to T substitution at nucleotide position 227. The serine at codon 76 is replaced by isoleucine, an amino acid with dissimilar properties. This amino acid position is conserved. In addition, the in silico prediction for this alteration is inconclusive. Based on the available evidence, the clinical significance of this variant remains unclear.

Blueprint Genetics
Classification: Uncertain significance. Last evaluated: 2020-12-08. Review status: criteria provided, single submitter. Criteria: ACMG Guidelines, 2015. Collection method: clinical testing. Allele origin: germline.